The following is an entry in ClinVar:

ClinVar aggregate classification (germline): Uncertain significance (1 of 4 stars; one submission).

Conditions:
Hereditary cancer-predisposing syndrome. Also called: Tumor predisposition; Hereditary neoplastic syndrome; Hereditary Cancer Syndrome; Neoplastic Syndromes, Hereditary. Identifiers: Orphanet 140162, MedGen C0027672, MeSH D009386, MONDO:0015356.

Submission:

Ambry Genetics
Classification: Uncertain significance for Hereditary cancer-predisposing syndrome. Last evaluated: 2024-01-19. Review status: criteria provided, single submitter. Criteria: Ambry Variant Classification Scheme 2023. Collection method: clinical testing. Allele origin: germline.
Comment: The p.S235Y variant (also known as c.704C>A), located in coding exon 2 of the ALK gene, results from a C to A substitution at nucleotide position 704. The serine at codon 235 is replaced by tyrosine, an amino acid with dissimilar properties. This amino acid position is conserved. In addition, this alteration is predicted to be tolerated by in silico analysis. Based on the available evidence, the clinical significance of this alteration remains unclear.

NM_004304.5(ALK):c.704C>A (p.Ser235Tyr)

Gene: ALK (ALK receptor tyrosine kinase; minus strand). Cytogenetic location: 2p23.2.
Variant type: single nucleotide variant.
Coding change: c.704C>A on transcript NM_004304.5 (MANE Select); coding-DNA position 704, C replaced by A.
Protein change: p.Ser235Tyr; replaces serine 235 with tyrosine.
Molecular consequence: missense variant.
Genome position (GRCh38, 1-based): chr2:29,717,661, G>T on the plus strand (C>A on the coding strand, the complement: ALK is on the minus strand). VCF-style: chr2-29717661-G-T. GRCh37 (hg19) VCF-style: chr2-29940527-G-T.
Other names: short protein forms S235Y.
Identifiers: ClinVar variation 3223926 (VCV003223926.1), dbSNP rs2465432811, ClinGen allele CA346587784.